The following is an entry in ClinVar:

NM_001267550.2(TTN):c.102381A>C (p.Lys34127Asn)

Genes: TTN-AS1 (TTN antisense RNA 1; plus strand), TTN (titin; minus strand). Cytogenetic location: 2q31.2.
Variant type: single nucleotide variant.
Coding change: c.102381A>C on transcript NM_001267550.2 (MANE Select); coding-DNA position 102381, A replaced by C.
Protein change: p.Lys34127Asn; replaces lysine 34127 with asparagine.
Molecular consequence: missense variant.
Genome position (GRCh38, 1-based): chr2:178,534,234, T>G on the plus strand (A>C on the coding strand, the complement: TTN is on the minus strand). VCF-style: chr2-178534234-T-G. GRCh37 (hg19) VCF-style: chr2-179398961-T-G.
Other names: c.97458A>C, p.Lys32486Asn (NM_001256850.1); c.75186A>C, p.Lys25062Asn (NM_003319.4); c.94677A>C, p.Lys31559Asn (NM_133378.4); c.75561A>C, p.Lys25187Asn (NM_133432.3); c.75762A>C, p.Lys25254Asn (NM_133437.4); short protein forms K25187N, K25254N, K31559N, K32486N, K34127N, K25062N.
Identifiers: ClinVar variation 2939618 (VCV002939618.3), dbSNP rs2468527367, ClinGen allele CA349417752.

ClinVar aggregate classification (germline): Uncertain significance (1 of 4 stars; one submission).

Conditions:
Dilated cardiomyopathy 1G (CMD1G). Identifiers: Orphanet 154, MedGen C1858763, MONDO:0011400, OMIM 604145.
Autosomal recessive limb-girdle muscular dystrophy type 2J (LGMDR10). Also called: Limb-girdle muscular dystrophy, type 2J; MUSCULAR DYSTROPHY, LIMB-GIRDLE, AUTOSOMAL RECESSIVE 10. Identifiers: Orphanet 140922, MedGen C1837342, MONDO:0012127, OMIM 608807.

Submission:

Labcorp Genetics (formerly Invitae), Labcorp
Classification: Uncertain significance for Dilated cardiomyopathy 1G; Autosomal recessive limb-girdle muscular dystrophy type 2J. Last evaluated: 2023-02-14. Review status: criteria provided, single submitter. Criteria: Invitae Variant Classification Sherloc (09022015). Collection method: clinical testing. Allele origin: germline.
Comment: This variant is located in the M band of TTN (PMID: 25589632). Variants in this region may be relevant for neuromuscular disorders, but have not been definitively shown to cause cardiomyopathy (PMID: 23975875). In summary, the available evidence is currently insufficient to determine the role of this variant in disease. Therefore, it has been classified as a Variant of Uncertain Significance. Experimental studies and prediction algorithms are not available or were not evaluated, and the functional significance of this variant is currently unknown. This variant has not been reported in the literature in individuals affected with TTN-related conditions. This variant is not present in population databases (gnomAD no frequency). This sequence change replaces lysine, which is basic and polar, with asparagine, which is neutral and polar, at codon 34127 of the TTN protein (p.Lys34127Asn).

Literature cited by the submitters: PubMed 25589632; PubMed 23975875.